The following is an entry in ClinVar:

ClinVar aggregate classification (germline): Likely benign. Review status: criteria provided, multiple submitters, no conflicts (2 of 4 stars). 3 submissions from 3 submitters: Likely benign (2). 1 of the submissions does not count toward it. Last evaluated 2025-08-06.

Conditions:
EXO1-related disorder. Also called: EXO1-related condition.

Allele frequency attached by ClinVar (database versions not stated): gnomAD exomes 0.00017; ExAC 0.00056; 1000 Genomes Project 0.00140; 1000 Genomes Project 30x 0.00141; gnomAD 0.00210; TOPMed 0.00237; ESP Exome Variant Server 0.00277.
gnomAD v4.1: 581 of 1,611,456 alleles (0.036%); highest among the groups gnomAD compares: African/African-American, 0.72%; no homozygotes.

Submissions (3):

Ambry Genetics
Classification: Likely benign. Last evaluated: 2025-08-06. Review status: criteria provided, single submitter. Criteria: Ambry Variant Classification Scheme 2023. Collection method: clinical testing. Allele origin: germline.

Blueprint Genetics
Classification: Likely benign. Last evaluated: 2024-09-23. Review status: criteria provided, single submitter. Criteria: ACMG Guidelines, 2015. Collection method: clinical testing. Allele origin: germline.

PreventionGenetics, part of Exact Sciences
Classification: Likely benign for EXO1-related condition. Last evaluated: 2022-06-12. Review status: no assertion criteria provided. Collection method: clinical testing. Allele origin: germline. Not counted in ClinVar's aggregate classification.
Comment: This variant is classified as likely benign based on ACMG/AMP sequence variant interpretation guidelines (Richards et al. 2015 PMID: 25741868, with internal and published modifications).

NM_130398.4(EXO1):c.1268C>A (p.Ala423Glu)

Gene: EXO1 (exonuclease 1; plus strand). Cytogenetic location: 1q43.
Variant type: single nucleotide variant.
Coding change: c.1268C>A on transcript NM_130398.4 (MANE Select); coding-DNA position 1268, C replaced by A.
Protein change: p.Ala423Glu; replaces alanine 423 with glutamic acid.
Molecular consequence: missense variant. On other transcripts: intron variant (1).
Genome position (GRCh38, 1-based): chr1:241,872,032, C>A. VCF-style: chr1-241872032-C-A. GRCh37 (hg19) VCF-style: chr1-242035334-C-A.
Other names: c.1268C>A, p.Ala423Glu (NM_003686.4, NM_006027.4); c.1268-3C>A (NM_001319224.2); short protein forms A423E.
Identifiers: ClinVar variation 3057247 (VCV003057247.4), dbSNP rs146098746, ClinGen allele CA1481318.
Genomic context (GRCh38, chr1:241,872,032, plus strand): 5'-AGGCCAAATCTCTAAGTACAGGTGAAACAAAGATTTACAGATAATTTTGTTTTTATTTAG[C>A]AGAGCTGTCAGAAGATGACCTGTTGAGTCAGTATTCTCTTTCATTTACGAAGAAGACCAA-3'
Protein context (NP_569082.2, residues 413-433): KSSIVKRPRS[Ala423Glu]ELSEDDLLSQ